The following is an entry in ClinVar:

ClinVar aggregate classification (germline): Uncertain significance (1 of 4 stars; one submission).

gnomAD v4.1: 1 of 1,614,178 alleles (0.000062%); highest among the groups gnomAD compares: Non-Finnish European, 0.000085%; no homozygotes.

Submission:

GeneDx
Classification: Uncertain significance. Last evaluated: 2025-08-08. Review status: criteria provided, single submitter. Criteria: GeneDx Variant Classification Process June 2021. Collection method: clinical testing. Allele origin: germline. Affected: yes.
Comment: Not observed at significant frequency in large population cohorts (gnomAD); In silico analysis supports that this missense variant has a deleterious effect on protein structure/function; Has not been previously published as pathogenic or benign to our knowledge

NM_001353694.2(TIAM1):c.113G>A (p.Arg38Lys)

Gene: TIAM1 (TIAM Rac1 associated GEF 1; minus strand). Cytogenetic location: 21q22.11.
Variant type: single nucleotide variant.
Coding change: c.113G>A on transcript NM_001353694.2 (MANE Select); coding-DNA position 113, G replaced by A.
Protein change: p.Arg38Lys; replaces arginine 38 with lysine.
Molecular consequence: missense variant.
Genome position (GRCh38, 1-based): chr21:31,266,860, C>T on the plus strand (G>A on the coding strand, the complement: TIAM1 is on the minus strand). VCF-style: chr21-31266860-C-T. GRCh37 (hg19) VCF-style: chr21-32639176-C-T.
Other names: c.113G>A, p.Arg38Lys (NM_001353686.2, NM_001353687.2, NM_001353688.1 and 6 more transcripts); short protein forms R38K.
Identifiers: ClinVar variation 4755641 (VCV004755641.1).
Genomic context (GRCh38, chr21:31,266,860, plus strand): 5'-GATCGGGTGCTCACTTCGGAGTTCCTGTGGATCACCTTCCCCGAGGAAGCGTGCCTGGTC[C>T]TCCGCGTCTTGTGCGAGAGGCGCAGGGAGCGGGAAGTGTGCTTGCGCCCCAGGCTGGCAT-3'
Protein context (NP_001340623.1, residues 28-48): RSLRLSHKTR[Arg38Lys]TRHASSGKVI